The following is an entry in ClinVar:

ClinVar aggregate classification (germline): Conflicting classifications of pathogenicity. Review status: criteria provided, conflicting classifications (1 of 4 stars). 2 submissions from 2 submitters: Likely pathogenic (1); Uncertain significance (1). Last evaluated 2019-11-18.

Conditions:
Familial thoracic aortic aneurysm and aortic dissection (TAAD). Also called: Thoracic aortic aneurysms and dissections. Identifiers: Orphanet 91387, MedGen C4707243, MONDO:0019625.

Submissions (2):

Labcorp Genetics (formerly Invitae), Labcorp
Classification: Uncertain significance for Familial thoracic aortic aneurysm and aortic dissection. Last evaluated: 2019-11-18. Review status: criteria provided, single submitter. Criteria: Invitae Variant Classification Sherloc (09022015). Collection method: clinical testing. Allele origin: germline.
Comment: In summary, the available evidence is currently insufficient to determine the role of this variant in disease. Therefore, it has been classified as a Variant of Uncertain Significance. Algorithms developed to predict the effect of missense changes on protein structure and function (SIFT, PolyPhen-2, Align-GVGD) all suggest that this variant is likely to be disruptive, but these predictions have not been confirmed by published functional studies and their clinical significance is uncertain. This variant has not been reported in the literature in individuals with TGFBR1-related conditions. ClinVar contains an entry for this variant (Variation ID: 429361). This variant is not present in population databases (ExAC no frequency). This sequence change replaces proline with leucine at codon 436 of the TGFBR1 protein (p.Pro436Leu). The proline residue is highly conserved and there is a moderate physicochemical difference between proline and leucine.

GeneDx
Classification: Likely pathogenic. Last evaluated: 2019-09-19. Review status: criteria provided, single submitter. Criteria: GeneDx Variant Classification Process June 2021. Collection method: clinical testing. Allele origin: germline. Affected: yes.
Comment: Has not been previously published as pathogenic or benign to our knowledge; Not observed in large population cohorts (Lek et al., 2016); In silico analysis, which includes protein predictors and evolutionary conservation, supports a deleterious effect

NM_004612.4(TGFBR1):c.1307C>T (p.Pro436Leu)

Gene: TGFBR1 (transforming growth factor beta receptor 1; plus strand). Cytogenetic location: 9q22.33.
Variant type: single nucleotide variant.
Coding change: c.1307C>T on transcript NM_004612.4 (MANE Select); coding-DNA position 1307, C replaced by T.
Protein change: p.Pro436Leu; replaces proline 436 with leucine.
Molecular consequence: missense variant.
Genome position (GRCh38, 1-based): chr9:99,147,705, C>T. VCF-style: chr9-99147705-C-T. GRCh37 (hg19) VCF-style: chr9-101909987-C-T.
Other names: c.1076C>T, p.Pro359Leu (NM_001130916.3); c.1319C>T, p.Pro440Leu (NM_001306210.2); short protein forms P436L, P440L, P359L.
Identifiers: ClinVar variation 429361 (VCV000429361.13), dbSNP rs1131691342, ClinGen allele CA374233346.